The following is an entry in ClinVar:

ClinVar aggregate classification (germline): Conflicting classifications of pathogenicity. Review status: criteria provided, conflicting classifications (1 of 4 stars). 2 submissions from 2 submitters: Pathogenic (1); Uncertain significance (1). Last evaluated 2025-06-24.

Conditions:
Inborn genetic diseases. Identifiers: MedGen C0950123, MeSH D030342.

Submissions (2):

Ambry Genetics
Classification: Pathogenic for Inborn genetic diseases. Last evaluated: 2025-06-24. Review status: criteria provided, single submitter. Criteria: Ambry Variant Classification Scheme 2023. Collection method: clinical testing. Allele origin: germline.
Comment: The c.147delT (p.Q50Nfs*9) alteration, located in exon 4 (coding exon 3) of the ITSN1 gene, consists of a deletion of one nucleotide at position 147, causing a translational frameshift with a predicted alternate stop codon after 9 amino acids. This alteration is expected to result in loss of function by premature protein truncation or nonsense-mediated mRNA decay. Based on data from gnomAD, this allele has an overall frequency of 0.021% (40/194462) total alleles studied; however, the variant was flagged as a low confidence call. Based on the available evidence, this alteration is classified as pathogenic.

GeneDx
Classification: Uncertain significance. Last evaluated: 2025-01-09. Review status: criteria provided, single submitter. Criteria: GeneDx Variant Classification Process June 2021. Collection method: clinical testing. Allele origin: germline. Affected: yes.
Comment: Frameshift variant predicted to result in protein truncation or nonsense mediated decay in a gene for which loss of function is a known mechanism of disease; Has not been previously published as pathogenic or benign to our knowledge

NM_003024.3(ITSN1):c.147del (p.Gln50fs)

Gene: ITSN1 (intersectin 1; plus strand). Cytogenetic location: 21q22.11.
Variant type: Deletion.
Coding change: c.147del on transcript NM_003024.3 (MANE Select); coding-DNA position 147, one base deleted (T; older notation c.147delT).
Protein change: p.Gln50fs; shifts the reading frame from glutamine 50.
Molecular consequence: frameshift variant.
Genome position (GRCh38, 1-based): chr21:33,722,613, T deleted; the last of 9 consecutive T bases (chr21:33,722,605-33,722,613); deleting any one gives the same sequence. VCF-style (leftmost placement, unchanged base first): chr21-33722604-CT-C. GRCh37 (hg19) VCF-style: chr21-35094909-CT-C.
Other names: c.147delT (NM_003024.2); c.147del, p.Gln50fs (NM_001001132.2, NM_001331008.2, NM_001331009.2 and 3 more transcripts); short protein forms Q50fs.
Identifiers: ClinVar variation 4056867 (VCV004056867.2).